The following is an entry in ClinVar:

NM_152703.5(SAMD9L):c.4382G>C (p.Gly1461Ala)

Gene: SAMD9L (sterile alpha motif domain containing 9 like; minus strand). Cytogenetic location: 7q21.2.
Variant type: single nucleotide variant.
Coding change: c.4382G>C on transcript NM_152703.5 (MANE Select); coding-DNA position 4382, G replaced by C.
Protein change: p.Gly1461Ala; replaces glycine 1461 with alanine.
Molecular consequence: missense variant.
Genome position (GRCh38, 1-based): chr7:93,131,590, C>G on the plus strand (G>C on the coding strand, the complement: SAMD9L is on the minus strand). VCF-style: chr7-93131590-C-G. GRCh37 (hg19) VCF-style: chr7-92760903-C-G.
Other names: c.4382G>C, p.Gly1461Ala (NM_001303496.3, NM_001303497.3, NM_001303498.3 and 5 more transcripts); short protein forms G1461A.
Identifiers: ClinVar variation 4159474 (VCV004159474.2).
Genomic context (GRCh38, chr7:93,131,590, plus strand): 5'-CTTTTGCCCAGATAGAAAAGTGTGCTTGCCTGCTTGGACCTGCACATGCGCTTGTACTGT[C>G]CCCTGAAGGATCTATTTAAGGATGAAACATACTTTTCTATTAGTTTGGAATCTTGATCTA-3'
Protein context (NP_689916.2, residues 1451-1471): YVSSLNRSFR[Gly1461Ala]QYKRMCRSKQ

ClinVar aggregate classification (germline): Uncertain significance. Review status: criteria provided, multiple submitters, no conflicts (2 of 4 stars). 2 submissions from 2 submitters: Uncertain significance (2). Last evaluated 2025-09-14.

Conditions:
Inborn genetic diseases. Identifiers: MedGen C0950123, MeSH D030342.

gnomAD v4.1: 1 of 1,613,740 alleles (0.000062%); highest among the groups gnomAD compares: Non-Finnish European, 0.000085%; no homozygotes.

Submissions (2):

Ambry Genetics
Classification: Uncertain significance for Inborn genetic diseases. Last evaluated: 2025-09-14. Review status: criteria provided, single submitter. Criteria: Ambry Variant Classification Scheme 2023. Collection method: clinical testing. Allele origin: germline.
Comment: The p.G1461A variant (also known as c.4382G>C), located in coding exon 1 of the SAMD9L gene, results from a G to C substitution at nucleotide position 4382. The glycine at codon 1461 is replaced by alanine, an amino acid with similar properties. This amino acid position is conserved. In addition, this alteration is predicted to be tolerated by in silico analysis. Based on the available evidence, the clinical significance of this variant remains unclear.

Labcorp Genetics (formerly Invitae), Labcorp
Classification: Uncertain significance. Last evaluated: 2025-08-18. Review status: criteria provided, single submitter. Criteria: Invitae Variant Classification Sherloc (09022015). Collection method: clinical testing. Allele origin: germline.
Comment: This sequence change replaces glycine, which is neutral and non-polar, with alanine, which is neutral and non-polar, at codon 1461 of the SAMD9L protein (p.Gly1461Ala). This variant is not present in population databases (gnomAD no frequency). This variant has not been reported in the literature in individuals affected with SAMD9L-related conditions. Invitae Evidence Modeling of protein sequence and biophysical properties (such as structural, functional, and spatial information, amino acid conservation, physicochemical variation, residue mobility, and thermodynamic stability) indicates that this missense variant is not expected to disrupt SAMD9L protein function with a negative predictive value of 80%. In summary, the available evidence is currently insufficient to determine the role of this variant in disease. Therefore, it has been classified as a Variant of Uncertain Significance.